The following is an entry in ClinVar:

ClinVar aggregate classification (germline): Benign. Review status: criteria provided, multiple submitters, no conflicts (2 of 4 stars). 3 submissions from 3 submitters: Benign (2). 1 of the submissions does not count toward it. Last evaluated 2021-08-19.

Conditions:
Pachyonychia congenita 3 (PC3). Also called: KRT6A-Related Pachyonychia Congenita; PC-K6a. Identifiers: Orphanet 2309, MedGen C3714948, MONDO:0014324, OMIM 615726.
KRT6A-related disorder. Also called: KRT6A-related condition.

Allele frequency attached by ClinVar (database versions not stated): ESP Exome Variant Server 0.26528; gnomAD 0.29042 and 0.28652; TOPMed 0.29855; 1000 Genomes Project 0.30970; ExAC 0.25696; 1000 Genomes Project 30x 0.31059.
gnomAD v4.1: 384,204 of 1,613,676 alleles (24%); highest among the groups gnomAD compares: Admixed American, 40%; 47,828 homozygotes.

Submissions (3):

Genome-Nilou Lab
Classification: Benign for Pachyonychia congenita 3. Last evaluated: 2021-08-19. Review status: criteria provided, single submitter. Criteria: ACMG Guidelines, 2015. Collection method: clinical testing. Allele origin: germline. Affected: no.

Breakthrough Genomics
Classification: Benign. Review status: criteria provided, single submitter. Criteria: ACMG Guidelines, 2015. Collection method: not provided. Allele origin: germline. Inheritance: Autosomal dominant inheritance. Affected: yes.

PreventionGenetics, part of Exact Sciences
Classification: Benign for KRT6A-related condition. Last evaluated: 2019-10-18. Review status: no assertion criteria provided. Collection method: clinical testing. Allele origin: germline. Not counted in ClinVar's aggregate classification.
Comment: This variant is classified as benign based on ACMG/AMP sequence variant interpretation guidelines (Richards et al. 2015 PMID: 25741868, with internal and published modifications).

NM_005554.4(KRT6A):c.62A>G (p.Asn21Ser)

Gene: KRT6A (keratin 6A; minus strand). Cytogenetic location: 12q13.13.
Variant type: single nucleotide variant.
Coding change: c.62A>G on transcript NM_005554.4 (MANE Select); coding-DNA position 62, A replaced by G.
Protein change: p.Asn21Ser; replaces asparagine 21 with serine.
Molecular consequence: missense variant.
Genome position (GRCh38, 1-based): chr12:52,493,127, T>C on the plus strand (A>G on the coding strand, the complement: KRT6A is on the minus strand). VCF-style: chr12-52493127-T-C. GRCh37 (hg19) VCF-style: chr12-52886911-T-C.
Other names: c.62A>G (NM_005554.3); short protein forms N21S.
Identifiers: ClinVar variation 1300087 (VCV001300087.5), dbSNP rs17845411, ClinGen allele CA6582351.
Genomic context (GRCh38, chr12:52,493,127, plus strand): 5'-GAGCGGGACACGGAGACGCTGCTGAAGCCAGAGCGGCTGACCCCAGGGAGCCTGGCTGAG[T>C]TGGCACTGAAACCCCGGCGGCTGCTGCTGTGGCTCCTGATGGTGGTGGATGTGCTGGCCA-3'
Protein context (NP_005545.1, residues 11-31): HSSSRRGFSA[Asn21Ser]SARLPGVSRS